The following is an entry in ClinVar:

NM_018979.4(WNK1):c.7059T>G (p.Pro2353=)

Gene: WNK1 (WNK lysine deficient protein kinase 1; plus strand). Cytogenetic location: 12p13.33.
Variant type: single nucleotide variant.
Coding change: c.7059T>G on transcript NM_018979.4 (MANE Select); coding-DNA position 7059, T replaced by G.
Protein change: p.Pro2353=; no amino-acid change (proline 2353 retained).
Molecular consequence: synonymous variant.
Genome position (GRCh38, 1-based): chr12:908,702, T>G. VCF-style: chr12-908702-T-G. GRCh37 (hg19) VCF-style: chr12-1017868-T-G.
Other names: c.7839T>G, p.Pro2613= (NM_001184985.2); c.6315T>G, p.Pro2105= (NM_014823.3); c.7815T>G, p.Pro2605= (NM_213655.5).
Identifiers: ClinVar variation 4821718 (VCV004821718.4).

ClinVar aggregate classification (germline): Likely benign (1 of 4 stars; one submission).

Submission:

CeGaT Center for Human Genetics Tuebingen
Classification: Likely benign. Last evaluated: 2026-03-01. Review status: criteria provided, single submitter. Criteria: CeGaT Center For Human Genetics Tuebingen Variant Classification Criteria Version 2. Collection method: clinical testing. Allele origin: germline. Affected: yes. Observed: 1 variant allele.
Comment: WNK1: PM2:Supporting, BP4, BP7